The following is an entry in ClinVar:

ClinVar aggregate classification (germline): Likely benign (1 of 4 stars; one submission).

Submission:

GeneDx
Classification: Likely benign. Last evaluated: 2016-06-23. Review status: criteria provided, single submitter. Criteria: GeneDx Variant Classification (06012015). Collection method: clinical testing. Allele origin: germline. Affected: yes.
Comment: This variant is considered likely benign or benign based on one or more of the following criteria: it is a conservative change, it occurs at a poorly conserved position in the protein, it is predicted to be benign by multiple in silico algorithms, and/or has population frequency not consistent with disease.

NM_000256.3(MYBPC3):c.905+11G>T

Gene: MYBPC3 (myosin binding protein C3; minus strand). Cytogenetic location: 11p11.2.
Variant type: single nucleotide variant.
Coding change: c.905+11G>T on transcript NM_000256.3 (MANE Select); 11 bases into the intron after coding-DNA position 905, G replaced by T.
Genome position (GRCh38, 1-based): chr11:47,347,415, C>A on the plus strand (G>T on the coding strand, the complement: MYBPC3 is on the minus strand). VCF-style: chr11-47347415-C-A. GRCh37 (hg19) VCF-style: chr11-47368966-C-A.
Other names: c.905+11G>T (LRG_386t1).
Identifiers: ClinVar variation 387166 (VCV000387166.1), dbSNP rs1025510303, ClinGen allele CA16605933.